The following is an entry in ClinVar:

ClinVar aggregate classification (germline): Uncertain significance. Review status: criteria provided, multiple submitters, no conflicts (2 of 4 stars). 3 submissions from 3 submitters: Uncertain significance (3). Last evaluated 2026-01-21.

Conditions:
Hereditary cancer-predisposing syndrome. Also called: Tumor predisposition; Neoplastic Syndromes, Hereditary; Hereditary Cancer Syndrome; Hereditary neoplastic syndrome. Identifiers: Orphanet 140162, MedGen C0027672, MeSH D009386, MONDO:0015356.
Hereditary diffuse gastric adenocarcinoma (HDGC). Also called: DIFFUSE GASTRIC AND LOBULAR BREAST CANCER SYNDROME. Identifiers: Orphanet 26106, MedGen C1708349, MONDO:0007648, OMIM 137215.

Submissions (3):

Women's Health and Genetics/Laboratory Corporation of America, LabCorp
Classification: Uncertain significance. Last evaluated: 2026-01-21. Review status: criteria provided, single submitter. Criteria: LabCorp Variant Classification Summary - May 2015. Collection method: clinical testing. Allele origin: germline.

Labcorp Genetics (formerly Invitae), Labcorp
Classification: Uncertain significance for Hereditary diffuse gastric adenocarcinoma. Last evaluated: 2025-07-09. Review status: criteria provided, single submitter. Criteria: Invitae Variant Classification Sherloc (09022015). Collection method: clinical testing. Allele origin: germline.
Comment: This sequence change replaces proline, which is neutral and non-polar, with leucine, which is neutral and non-polar, at codon 407 of the CDH1 protein (p.Pro407Leu). This variant is not present in population databases (gnomAD no frequency). This variant has not been reported in the literature in individuals affected with CDH1-related conditions. ClinVar contains an entry for this variant (Variation ID: 406651). An algorithm developed to predict the effect of missense changes on protein structure and function (PolyPhen-2) suggests that this variant is likely to be tolerated. In summary, the available evidence is currently insufficient to determine the role of this variant in disease. Therefore, it has been classified as a Variant of Uncertain Significance.

Ambry Genetics
Classification: Uncertain significance for Hereditary cancer-predisposing syndrome. Last evaluated: 2024-02-22. Review status: criteria provided, single submitter. Criteria: Ambry Variant Classification Scheme 2023. Collection method: clinical testing. Allele origin: germline.
Comment: The p.P407L variant (also known as c.1220C>T), located in coding exon 9 of the CDH1 gene, results from a C to T substitution at nucleotide position 1220. The proline at codon 407 is replaced by leucine, an amino acid with similar properties. This amino acid position is conserved. In addition, this alteration is predicted to be tolerated by in silico analysis. Based on the available evidence, the clinical significance of this alteration remains unclear.

NM_004360.5(CDH1):c.1220C>T (p.Pro407Leu)

Gene: CDH1 (cadherin 1; plus strand). Cytogenetic location: 16q22.1.
Variant type: single nucleotide variant.
Coding change: c.1220C>T on transcript NM_004360.5 (MANE Select); coding-DNA position 1220, C replaced by T.
Protein change: p.Pro407Leu; replaces proline 407 with leucine.
Molecular consequence: missense variant. On other transcripts: 5 prime UTR variant (2), intron variant (1).
Genome position (GRCh38, 1-based): chr16:68,813,395, C>T. VCF-style: chr16-68813395-C-T. GRCh37 (hg19) VCF-style: chr16-68847298-C-T.
Other names: c.1220C>T (LRG_301t1); c.-396C>T (NM_001317185.2); c.-600C>T (NM_001317186.2); c.1137+1132C>T (NM_001317184.2); short protein forms P407L.
Identifiers: ClinVar variation 406651 (VCV000406651.13), dbSNP rs1060501236, ClinGen allele CA16615389.
Genomic context (GRCh38, chr16:68,813,395, plus strand): 5'-ACGAGGCTAACGTCGTAATCACCACACTGAAAGTGACTGATGCTGATGCCCCCAATACCC[C>T]AGCGTGGGAGGCTGTATACACCATATTGAATGATGATGGTGGACAATTTGTCGTCACCAC-3'
Protein context (NP_004351.1, residues 397-417): KVTDADAPNT[Pro407Leu]AWEAVYTILN